The following is an entry in ClinVar:

ClinVar aggregate classification (germline): Pathogenic. Review status: reviewed by expert panel (3 of 4 stars). 16 submissions from 16 submitters: Pathogenic (1). 15 of the submissions do not count toward it. Last evaluated 2016-09-08.

Conditions:
BRCA1-related cancer predisposition. Identifiers: MedGen CN377757, MONDO:0700268.
Inherited breast cancer and ovarian cancer.
Hereditary cancer-predisposing syndrome. Also called: Tumor predisposition; Neoplastic Syndromes, Hereditary; Hereditary Cancer Syndrome; Hereditary neoplastic syndrome. Identifiers: Orphanet 140162, MedGen C0027672, MeSH D009386, MONDO:0015356.
Breast neoplasm. Also called: Neoplasm of breast; Breast tumor; Neoplasm of the breast; Breast Neoplasms. Identifiers: MedGen C1458155, MeSH D001943, MONDO:0021100, HP:0100013. Disease mechanism: gain of function.
Hereditary breast ovarian cancer syndrome. Also called: Hereditary breast and ovarian cancer syndrome (HBOC); Hereditary breast and ovarian cancer syndrome; Hereditary breast and ovarian cancer; Hereditary breast and/or ovarian cancer syndrome; Breast and ovarian cancer; BRCA1- and BRCA2-Associated Hereditary Breast and Ovarian Cancer. Identifiers: Orphanet 145, MedGen C0677776, MeSH D061325, MONDO:0003582. Disease mechanism: loss of function.
Breast-ovarian cancer, familial, susceptibility to, 1 (BROVCA1). Also called: OVARIAN CANCER, SUSCEPTIBILITY TO; BRCA1 Hereditary Breast and Ovarian Cancer. Identifiers: Orphanet 145, MedGen C2676676, MONDO:0011450, OMIM 604370. Disease mechanism: loss of function.

Submissions 1 to 10 of 16:

Evidence-based Network for the Interpretation of Germline Mutant Alleles (ENIGMA)
Classification: Pathogenic for Breast-ovarian cancer, familial, susceptibility to, 1. Last evaluated: 2016-09-08. Review status: reviewed by expert panel. Criteria: ENIGMA BRCA1/2 Classification Criteria (2015). Collection method: curation. Allele origin: germline.
Comment: Variant allele predicted to encode a truncated non-functional protein.

Genetics Laboratory, Great Ormond Street Hospital NHS Foundation Trust, North Thames Genomic Laboratory Hub
Classification: Pathogenic for Inherited breast cancer and ovarian cancer. Last evaluated: 2026-05-08. Review status: criteria provided, single submitter. Criteria: CanVIG BRCA Gene Specific V1.22. Collection method: clinical testing. Allele origin: germline. Affected: yes. Not counted in ClinVar's aggregate classification.
Comment: PM2_supporting, PVS1_very-strong, PM5_strong

Labcorp Genetics (formerly Invitae), Labcorp
Classification: Pathogenic for Hereditary breast ovarian cancer syndrome. Last evaluated: 2025-12-23. Review status: criteria provided, single submitter. Criteria: Invitae Variant Classification Sherloc (09022015). Collection method: clinical testing. Allele origin: germline. Not counted in ClinVar's aggregate classification.
Comment: This sequence change creates a premature translational stop signal (p.Ser1374*) in the BRCA1 gene. It is expected to result in an absent or disrupted protein product. Loss-of-function variants in BRCA1 are known to be pathogenic (PMID: 20104584). This variant is not present in population databases (gnomAD no frequency). This premature translational stop signal has been observed in individual(s) with breast and/or ovarian cancer (PMID: 8968102, 22006311). This variant is also known as 4239delAG. For these reasons, this variant has been classified as Pathogenic.

Ambry Genetics
Classification: Pathogenic for Hereditary cancer-predisposing syndrome. Last evaluated: 2025-06-06. Review status: criteria provided, single submitter. Criteria: Ambry Variant Classification Scheme 2023. Collection method: clinical testing. Allele origin: germline. Not counted in ClinVar's aggregate classification.
Comment: The c.4120_4121delAG pathogenic mutation, located in coding exon 10 of the BRCA1 gene, results from a deletion of two nucleotides at nucleotide positions 4120 to 4121, causing a translational frameshift with a predicted alternate stop codon (p.S1374*). This pathogenic mutation has been reported in numerous individuals diagnosed with breast and/or ovarian cancer (Montagna M et al. Cancer Res. 1996 Dec 1;56(23):5466-9; Walsh T et al. Proc Natl Acad Sci USA. 2011 Nov 1;108(44):18032-7; Mannan AU et al J. of Hum. Genetics 2016; 61:515&ndash;522; Rebbeck TR et al. Hum. Mutat., 2018 05;39:593-620; Momozawa Y et al. Nat Commun, 2018 10;9:4083; Bhaskaran SP et al. Int. J. Cancer, 2019 08;145:962-973). Of note, this alteration is also designated as 4239delAG in published literature. This variant is considered to be rare based on population cohorts in the Genome Aggregation Database (gnomAD). In addition to the clinical data presented in the literature, this alteration is expected to result in loss of function by premature protein truncation or nonsense-mediated mRNA decay. As such, this alteration is interpreted as a disease-causing mutation.

Baylor Genetics
Classification: Pathogenic for Breast-ovarian cancer, familial, susceptibility to, 1. Last evaluated: 2023-11-14. Review status: criteria provided, single submitter. Criteria: ACMG Guidelines, 2015. Collection method: clinical testing. Allele origin: unknown. Not counted in ClinVar's aggregate classification.

Quest Diagnostics Nichols Institute San Juan Capistrano
Classification: Pathogenic. Last evaluated: 2022-09-15. Review status: criteria provided, single submitter. Criteria: Quest Diagnostics criteria. Collection method: clinical testing. Allele origin: unknown. Not counted in ClinVar's aggregate classification.
Comment: This frameshift variant alters the translational reading frame of the BRCA1 mRNA and causes the premature termination of BRCA1 protein synthesis. This variant has not been reported in large, multi-ethnic general populations. In the published literature, the variant has been reported in individuals/families with breast and/or ovarian cancer (PMID: 8968102 (1996), 22006311 (2011), 28111427 (2017), 30287823 (2018)). Based on the available information, this variant is classified as pathogenic.

Color Diagnostics, LLC DBA Color Health
Classification: Pathogenic for Hereditary cancer-predisposing syndrome. Last evaluated: 2021-01-08. Review status: criteria provided, single submitter. Criteria: ACMG Guidelines, 2015. Collection method: clinical testing. Allele origin: germline. Not counted in ClinVar's aggregate classification.
Comment: This variant deletes 2 nucleotides in exon 11 of the BRCA1 gene, creating a frameshift and premature translation stop signal. This variant is expected to result in an absent or non-functional protein product. To our knowledge, functional studies have not been reported for this variant. This variant has been reported in multiple individuals and families affected with breast and ovarian cancer (PMID: 8968102, 11595708, 22006311, 28111427, 29446198, 30287823, 30702160; Color internal data) and this variant is reported to cosegregate with cancer in one hereditary breast and ovarian cancer family (PMID: 8968102). This variant has not been identified in the general population by the Genome Aggregation Database (gnomAD). Loss of BRCA1 function is a known mechanism of disease. Based on the available evidence, this variant is classified as Pathogenic.

Women's Health and Genetics/Laboratory Corporation of America, LabCorp
Classification: Pathogenic for Hereditary breast ovarian cancer syndrome. Last evaluated: 2021-01-02. Review status: criteria provided, single submitter. Criteria: LabCorp Variant Classification Summary - May 2015. Collection method: clinical testing. Allele origin: germline. Not counted in ClinVar's aggregate classification.
Comment: Variant summary: BRCA1 c.4120_4121delAG (p.Ser1374X) results in a premature termination codon, predicted to cause a truncation of the encoded protein or absence of the protein due to nonsense mediated decay, which are commonly known mechanisms for disease. Truncations downstream of this position have been classified as pathogenic by our laboratory. The variant was absent in 249128 control chromosomes. c.4120_4121delAG has been reported in the literature in multiple individuals affected with Hereditary Breast And Ovarian Cancer Syndrome (example, Rebbeck_2018). These data indicate that the variant is very likely to be associated with disease. To our knowledge, no experimental evidence demonstrating an impact on protein function has been reported. Multiple clinical diagnostic laboratories and one expert panel (ENIGMA) have submitted clinical-significance assessments for this variant to ClinVar after 2014 without evidence for independent evaluation. All submitters classified the variant as pathogenic. Based on the evidence outlined above, the variant was classified as pathogenic.

GeneDx
Classification: Pathogenic. Last evaluated: 2020-12-10. Review status: criteria provided, single submitter. Criteria: GeneDx Variant Classification Process June 2021. Collection method: clinical testing. Allele origin: germline. Affected: yes. Not counted in ClinVar's aggregate classification.
Comment: Nonsense variant predicted to result in protein truncation or nonsense mediated decay in a gene for which loss-of-function is a known mechanism of disease; Observed in individuals with a personal or family history consistent with pathogenic variants in this gene (Montagna 1996, Walsh 2011, Mannan 2016); Not observed in large population cohorts (Lek 2016); Truncating variants in this gene are considered pathogenic by a well-established clinical consortium and/or database; Also known as 4239delAG; This variant is associated with the following publications: (PMID: 28111427, 31924417, 8968102, 26911350, 22762150, 22006311, 26556299, 28176296, 30702160)

3DMed Clinical Laboratory Inc
Classification: Pathogenic for Neoplasm of the breast. Last evaluated: 2017-06-15. Review status: criteria provided, single submitter. Criteria: ACMG Guidelines, 2015. Collection method: clinical testing. Allele origin: germline. Affected: yes. Observed: 2 variant alleles. Not counted in ClinVar's aggregate classification.

NM_007294.4(BRCA1):c.4120_4121del (p.Glu1373_Ser1374insTer)

Gene: BRCA1 (BRCA1 DNA repair associated; minus strand). Cytogenetic location: 17q21.31.
Variant type: Microsatellite.
Coding change: c.4120_4121del on transcript NM_007294.4 (MANE Select); coding-DNA positions 4120 to 4121, 2 bases deleted (AG; older notation c.4120_4121delAG).
Protein change: p.Glu1373_Ser1374insTer.
Molecular consequence: nonsense. On other transcripts: frameshift variant (366), non-coding transcript variant (1).
Genome position (GRCh38, 1-based): chr17:43,091,008-43,091,009, CT deleted on the plus strand (AG on the coding strand, the reverse complement: BRCA1 is on the minus strand); deleting any 2 consecutive bases within chr17:43,091,008-43,091,012 gives the same sequence; the c. name uses the placement nearest the transcript's 3' end. VCF-style (leftmost placement, unchanged base first): chr17-43091007-ACT-A. GRCh37 (hg19) VCF-style: chr17-41243024-ACT-A.
Other names: 4239delAG; c.4120_4121delAG (NM_007294.3); c.808_809GA[1], p.Ser271Terfs (NM_001408403.1, NM_001408404.1, NM_001408472.1 and 17 more transcripts); c.802_803GA[1], p.Ser269Terfs (NM_001408406.1); c.805_806GA[1], p.Ser270Terfs (NM_001408407.1, NM_001408473.1, NM_001407972.1 and 13 more transcripts); c.799_800GA[1], p.Ser268Terfs (NM_001408408.1); c.730_731GA[1], p.Ser245Terfs (NM_001408409.1, NM_001408411.1, NM_001408412.1 and 2 more transcripts); c.667_668GA[1], p.Ser224Terfs (NM_001408410.1, NM_001408452.1, NM_001408453.1 and 11 more transcripts); and 46 more.
Identifiers: ClinVar variation 37570 (VCV000037570.32), dbSNP rs80357787, ClinGen allele CA002642.